The following is an entry in ClinVar:

NM_014956.5(CEP164):c.4106C>G (p.Pro1369Arg)

Gene: CEP164 (centrosomal protein 164; plus strand). Cytogenetic location: 11q23.3.
Variant type: single nucleotide variant.
Coding change: c.4106C>G on transcript NM_014956.5 (MANE Select); coding-DNA position 4106, C replaced by G.
Protein change: p.Pro1369Arg; replaces proline 1369 with arginine.
Molecular consequence: missense variant.
Genome position (GRCh38, 1-based): chr11:117,410,837, C>G. VCF-style: chr11-117410837-C-G. GRCh37 (hg19) VCF-style: chr11-117281553-C-G.
Other names: c.4091C>G, p.Pro1364Arg (NM_001271933.2); c.4112C>G, p.Pro1371Arg (NM_001440949.1); c.4106C>G, p.Pro1369Arg (NM_001440950.1, NM_001440951.1); c.4097C>G, p.Pro1366Arg (NM_001440952.1); c.4082C>G, p.Pro1361Arg (NM_001440953.1); c.4028C>G, p.Pro1343Arg (NM_001440954.1, NM_001440955.1); c.4019C>G, p.Pro1340Arg (NM_001440956.1); c.4016C>G, p.Pro1339Arg (NM_001440957.1); and 21 more; short protein forms P1224R, P1250R, P1265R, P1291R, P1315R, P1319R, P1320R, P1335R.
Identifiers: ClinVar variation 4989083 (VCV004989083.1).

ClinVar aggregate classification (germline): Uncertain significance (1 of 4 stars; one submission).

Conditions:
CEP164-related disorder. Also called: CEP164-related condition.

gnomAD v4.1: 1 of 1,612,794 alleles (0.000062%); highest among the groups gnomAD compares: Admixed American, 0.0017%; no homozygotes.

Submission:

PreventionGenetics, part of Exact Sciences
Classification: Uncertain significance for CEP164-related condition. Last evaluated: 2026-05-28. Review status: criteria provided, single submitter. Criteria: ACMG Guidelines, 2015. Collection method: clinical testing. Allele origin: germline.
Comment: The CEP164 c.4106C>G variant is predicted to result in the amino acid substitution p.Pro1369Arg. To our knowledge, this variant has not been reported in the literature or in a large population database (gnomAD), indicating this variant is rare. At this time, the clinical significance of this variant is uncertain due to the absence of conclusive functional and genetic evidence.